The following continues an entry in ClinVar:

NM_000372.5(TYR):c.230G>A (p.Arg77Gln)

Gene: TYR. ClinVar aggregate classification (germline): Pathogenic/Likely pathogenic. Pathogenic (19); Likely pathogenic (1).

Submissions 18 to 24 of 24:

Genetic Services Laboratory, University of Chicago
Classification: Pathogenic for Albinism, oculocutaneous, type IA. Last evaluated: 2015-03-16. Review status: criteria provided, single submitter. Criteria: ACMG Guidelines, 2015. Collection method: clinical testing. Allele origin: germline. Affected: yes.

Juno Genomics, Hangzhou Juno Genomics, Inc
Classification: Pathogenic for Oculocutaneous albinism type 1A; Oculocutaneous albinism type 1B. Review status: criteria provided, single submitter. Criteria: ACMG Guidelines, 2015. Collection method: clinical testing. Allele origin: germline.
Comment: Absent from controls (or at extremely low frequency if recessive) in Genome Aggregation Database.;Multiple lines of computational evidence support a deleterious effect on the gene or gene product.;For recessive disorders, detected in trans with a pathogenic variant.;Patient's phenotype or family history is highly specific for a disease with a single genetic etiology.

Pathology and Clinical Laboratory Medicine, King Fahad Medical City
Classification: Pathogenic for Oculocutaneous albinism type 1A. Review status: criteria provided, single submitter. Criteria: ACMG Guidelines, 2015. Collection method: clinical testing. Allele origin: germline. Affected: yes. Observed: 3 variant alleles.

Biochemical Molecular Genetic Laboratory, King Abdulaziz Medical City
Classification: Pathogenic for Oculocutaneous albinism type 1B. Last evaluated: 2019-01-29. Review status: no assertion criteria provided. Collection method: clinical testing. Allele origin: germline. Affected: yes. Not counted in ClinVar's aggregate classification.

Biochemical Molecular Genetic Laboratory, King Abdulaziz Medical City
Classification: Pathogenic for Oculocutaneous albinism type 1A. Last evaluated: 2019-01-29. Review status: no assertion criteria provided. Collection method: clinical testing. Allele origin: germline. Affected: yes. Not counted in ClinVar's aggregate classification.

OMIM
Classification: Pathogenic for ALBINISM, OCULOCUTANEOUS, TYPE IA. Last evaluated: 1992-07-15. Review status: no assertion criteria provided. Collection method: literature only. Allele origin: germline. Not counted in ClinVar's aggregate classification.

Retina International
No classification provided. Review status: no classification provided. Collection method: not provided. Allele origin: unknown. Not counted in ClinVar's aggregate classification.

Literature cited by the submitters: PubMed 19865097 (cited by 3billion); PubMed 2113511 (cited by 4 submitters); PubMed 21985232 (cited by Labcorp Genetics (formerly Invitae), Labcorp); PubMed 31077556 (cited by Labcorp Genetics (formerly Invitae), Labcorp); PubMed 25703744 (cited by Women's Health and Genetics/Laboratory Corporation of America, LabCorp and Molecular Diagnostics Laboratory, M Health Fairview: University of Minnesota); PubMed 2120217 (cited by Women's Health and Genetics/Laboratory Corporation of America, LabCorp); PubMed 22294196 (cited by Molecular Diagnostics Laboratory, M Health Fairview: University of Minnesota); PubMed 22042571 (cited by Molecular Diagnostics Laboratory, M Health Fairview: University of Minnesota); PubMed 1642278 (cited by OMIM).